The following is an entry in ClinVar:

ClinVar aggregate classification (germline): Uncertain significance. Review status: criteria provided, multiple submitters, no conflicts (2 of 4 stars). 2 submissions from 2 submitters: Uncertain significance (2). Last evaluated 2025-03-19.

Conditions:
Hereditary nonpolyposis colorectal neoplasms. Identifiers: MedGen C0009405, MeSH D003123.
Lynch syndrome 4 (LYNCH4). Also called: Hereditary non-polyposis colorectal cancer, type 4; Colorectal cancer, hereditary nonpolyposis, type 4. Identifiers: Orphanet 144, MedGen C1838333, MONDO:0013699, OMIM 614337. Disease mechanism: loss of function.

Submissions (2):

Molecular Pathology, Peter Maccallum Cancer Centre
Classification: Uncertain significance for Lynch syndrome 4. Last evaluated: 2025-03-19. Review status: criteria provided, single submitter. Criteria: ACMG Guidelines, 2015. Collection method: clinical testing. Allele origin: germline. Inheritance: Autosomal dominant inheritance.

Labcorp Genetics (formerly Invitae), Labcorp
Classification: Uncertain significance for Hereditary nonpolyposis colorectal neoplasms. Last evaluated: 2021-09-08. Review status: criteria provided, single submitter. Criteria: Invitae Variant Classification Sherloc (09022015). Collection method: clinical testing. Allele origin: germline.
Comment: In summary, the available evidence is currently insufficient to determine the role of this variant in disease. Therefore, it has been classified as a Variant of Uncertain Significance. Advanced modeling of protein sequence and biophysical properties (such as structural, functional, and spatial information, amino acid conservation, physicochemical variation, residue mobility, and thermodynamic stability) performed at Invitae indicates that this missense variant is not expected to disrupt PMS2 protein function. This variant has not been reported in the literature in individuals affected with PMS2-related conditions. The frequency data for this variant in the population databases (ExAC) is considered unreliable due to the presence of homologous sequence, such as pseudogenes or paralogs, in the genome. This sequence change replaces valine with phenylalanine at codon 783 of the PMS2 protein (p.Val783Phe). The valine residue is weakly conserved and there is a small physicochemical difference between valine and phenylalanine.

NM_000535.7(PMS2):c.2347G>T (p.Val783Phe)

Gene: PMS2 (PMS1 homolog 2, mismatch repair system component; minus strand). Cytogenetic location: 7p22.1.
Variant type: single nucleotide variant.
Coding change: c.2347G>T on transcript NM_000535.7 (MANE Select); coding-DNA position 2347, G replaced by T.
Protein change: p.Val783Phe; replaces valine 783 with phenylalanine.
Molecular consequence: missense variant. On other transcripts: non-coding transcript variant (1).
Genome position (GRCh38, 1-based): chr7:5,977,686, C>A on the plus strand (G>T on the coding strand, the complement: PMS2 is on the minus strand). VCF-style: chr7-5977686-C-A. GRCh37 (hg19) VCF-style: chr7-6017317-C-A.
Other names: c.1942G>T, p.Val648Phe (NM_001322004.2, NM_001322005.2, NM_001322003.2); c.2191G>T, p.Val731Phe (NM_001322006.2); c.2029G>T, p.Val677Phe (NM_001322007.2, NM_001322008.2); c.1975G>T, p.Val659Phe (NM_001322009.2); c.1786G>T, p.Val596Phe (NM_001322010.2); c.1414G>T, p.Val472Phe (NM_001322011.2, NM_001322012.2); c.1774G>T, p.Val592Phe (NM_001322013.2); c.2380G>T, p.Val794Phe (NM_001322014.2); and 2 more; short protein forms V472F, V783F, V794F, V596F, V677F, V592F, V648F, V659F.
Identifiers: ClinVar variation 1411752 (VCV001411752.7), dbSNP rs553286217, ClinGen allele CA366735897.